The following is an entry in ClinVar:

ClinVar aggregate classification (germline): Uncertain significance. Review status: criteria provided, multiple submitters, no conflicts (2 of 4 stars). 8 submissions from 4 submitters: Uncertain significance (8). Last evaluated 2023-04-11.

Conditions:
Epilepsy, idiopathic generalized, susceptibility to, 12 (EIG12). Identifiers: MedGen C3553859, MONDO:0013919, OMIM 614847.
Hereditary cryohydrocytosis with reduced stomatin. Also called: Stomatin-deficient cryohydrocytosis with neurologic defects; GLUT1 DEFICIENCY SYNDROME WITH PSEUDOHYPERKALEMIA AND HEMOLYSIS. Identifiers: Orphanet 168577, MedGen C1837206, MONDO:0012143, OMIM 608885.
Dystonia 9 (DYT9). Also called: CHOREOATHETOSIS, KINESIGENIC, WITH EPISODIC ATAXIA AND SPASTICITY. Identifiers: Orphanet 53583, MedGen C1832855, MONDO:0010983, OMIM 601042.
Encephalopathy due to GLUT1 deficiency. Also called: GLUT1 deficiency syndrome 1, infantile onset, severe; De Vivo disease; GLUT1 deficiency syndrome 1; Classic Glucose Transporter Type 1 Deficiency Syndrome; GLUCOSE TRANSPORT DEFECT, BLOOD-BRAIN BARRIER; Glucose transporter protein syndrome. Identifiers: Orphanet 71277, MedGen C4551966, MONDO:0011724, OMIM 606777.
Childhood onset GLUT1 deficiency syndrome 2. Also called: Paroxysmal exercise-induced dystonia; PxMD-SLC2A1; PAROXYSMAL EXERCISE-INDUCED DYSKINESIA WITH OR WITHOUT EPILEPSY AND/OR HEMOLYTIC ANEMIA; PAROXYSMAL EXERTION-INDUCED DYSTONIA WITH OR WITHOUT EPILEPSY AND/OR HEMOLYTIC ANEMIA; PED WITH OR WITHOUT EPILEPSY AND/OR HEMOLYTIC ANEMIA; Exertion-induced paroxysmal dyskinesia. Identifiers: Orphanet 98811, MedGen C1842534, MONDO:0012805, OMIM 612126.
GLUT1 deficiency syndrome 1, autosomal recessive. Identifiers: MedGen C3149117.

Allele frequency attached by ClinVar (database versions not stated): ExAC 0.00001; gnomAD 0.00001; gnomAD exomes 0.00001; TOPMed 0.00001.
gnomAD v4.1: 24 of 1,613,982 alleles (0.0015%); highest among the groups gnomAD compares: Non-Finnish European, 0.0017%; no homozygotes.

Submissions (8):

Genome-Nilou Lab
Classification: Uncertain significance for Epilepsy, idiopathic generalized, susceptibility to, 12. Last evaluated: 2023-04-11. Review status: criteria provided, single submitter. Criteria: ACMG Guidelines, 2015. Collection method: clinical testing. Allele origin: germline. Affected: no.

Genome-Nilou Lab
Classification: Uncertain significance for Dystonia 9. Last evaluated: 2023-04-11. Review status: criteria provided, single submitter. Criteria: ACMG Guidelines, 2015. Collection method: clinical testing. Allele origin: germline. Affected: no.

Genome-Nilou Lab
Classification: Uncertain significance for Encephalopathy due to GLUT1 deficiency. Last evaluated: 2023-04-11. Review status: criteria provided, single submitter. Criteria: ACMG Guidelines, 2015. Collection method: clinical testing. Allele origin: germline. Affected: no.

Genome-Nilou Lab
Classification: Uncertain significance for Childhood onset GLUT1 deficiency syndrome 2. Last evaluated: 2023-04-11. Review status: criteria provided, single submitter. Criteria: ACMG Guidelines, 2015. Collection method: clinical testing. Allele origin: germline. Affected: no.

Genome-Nilou Lab
Classification: Uncertain significance for Hereditary cryohydrocytosis with reduced stomatin. Last evaluated: 2023-04-11. Review status: criteria provided, single submitter. Criteria: ACMG Guidelines, 2015. Collection method: clinical testing. Allele origin: germline. Affected: no.

Labcorp Genetics (formerly Invitae), Labcorp
Classification: Uncertain significance for GLUT1 deficiency syndrome 1, autosomal recessive. Last evaluated: 2022-03-23. Review status: criteria provided, single submitter. Criteria: Invitae Variant Classification Sherloc (09022015). Collection method: clinical testing. Allele origin: germline.
Comment: This variant has not been reported in the literature in individuals affected with SLC2A1-related conditions. This variant is present in population databases (rs771386274, gnomAD 0.003%). This sequence change falls in intron 5 of the SLC2A1 gene. It does not directly change the encoded amino acid sequence of the SLC2A1 protein. It affects a nucleotide within the consensus splice site. ClinVar contains an entry for this variant (Variation ID: 1046974). In summary, the available evidence is currently insufficient to determine the role of this variant in disease. Therefore, it has been classified as a Variant of Uncertain Significance. Variants that disrupt the consensus splice site are a relatively common cause of aberrant splicing (PMID: 17576681, 9536098). Algorithms developed to predict the effect of sequence changes on RNA splicing suggest that this variant may create or strengthen a splice site.

Fulgent Genetics
Classification: Uncertain significance for Dystonia 9; Encephalopathy due to GLUT1 deficiency; Hereditary cryohydrocytosis with reduced stomatin; Childhood onset GLUT1 deficiency syndrome 2; Epilepsy, idiopathic generalized, susceptibility to, 12. Last evaluated: 2022-03-07. Review status: criteria provided, single submitter. Criteria: ACMG Guidelines, 2015. Collection method: clinical testing. Allele origin: unknown.

GeneDx
Classification: Uncertain significance. Last evaluated: 2019-07-15. Review status: criteria provided, single submitter. Criteria: GeneDx Variant Classification Process June 2021. Collection method: clinical testing. Allele origin: germline. Affected: yes.
Comment: Not observed at a significant frequency in large population cohorts (Lek et al., 2016); Has not been previously published as pathogenic or benign to our knowledge; In-silico analysis, which includes splice predictors and evolutionary conservation, is inconclusive as to whether the variant alters gene splicing. In the absence of RNA/functional studies, the actual effect of this sequence change is unknown.

Literature cited by the submitters: PubMed 17576681 (cited by Labcorp Genetics (formerly Invitae), Labcorp); PubMed 9536098 (cited by Labcorp Genetics (formerly Invitae), Labcorp).

NM_006516.4(SLC2A1):c.679+5G>A

Gene: SLC2A1 (solute carrier family 2 member 1; minus strand). Cytogenetic location: 1p34.2.
Variant type: single nucleotide variant.
Coding change: c.679+5G>A on transcript NM_006516.4 (MANE Select); 5 bases into the intron after coding-DNA position 679, G replaced by A.
Molecular consequence: intron variant.
Genome position (GRCh38, 1-based): chr1:42,929,868, C>T on the plus strand (G>A on the coding strand, the complement: SLC2A1 is on the minus strand). VCF-style: chr1-42929868-C-T. GRCh37 (hg19) VCF-style: chr1-43395539-C-T.
Identifiers: ClinVar variation 1046974 (VCV001046974.11), dbSNP rs771386274, ClinGen allele CA803482.
Genomic context (GRCh38, chr1:42,929,868, plus strand): 5'-TGGCTCAGAGTGGGAAGAAGGCCAGGGCTCAGGGAGTGGGGAGGAGGGCAGGGCCATGCC[C>T]GTACCACTCTTGGCCCGGTTCTCCTCGTTGCGGTTGATGAGCAGGAAGCGGGGACTCTCG-3'